The following is an entry in ClinVar:

ClinVar aggregate classification (germline): Uncertain significance (1 of 4 stars; one submission).

Conditions:
Joubert syndrome. Also called: JOUBERT-BOLTSHAUSER SYNDROME; Familial aplasia of the vermis. Identifiers: Orphanet 475, MedGen C5979921, MONDO:0018772.
Meckel-Gruber syndrome. Also called: DYSENCEPHALIA SPLANCHNOCYSTICA; GRUBER SYNDROME; Dysencephalia splachnocystica. Identifiers: Orphanet 564, MedGen C0265215, MONDO:0018921.

Allele frequency attached by ClinVar (database versions not stated): gnomAD exomes below 0.00001.
gnomAD v4.1: 2 of 1,610,222 alleles (0.00012%); highest among the groups gnomAD compares: Non-Finnish European, 0.000085%; no homozygotes.

Submission:

Labcorp Genetics (formerly Invitae), Labcorp
Classification: Uncertain significance for Joubert syndrome; Meckel-Gruber syndrome. Last evaluated: 2022-01-06. Review status: criteria provided, single submitter. Criteria: Invitae Variant Classification Sherloc (09022015). Collection method: clinical testing. Allele origin: germline.
Comment: In summary, the available evidence is currently insufficient to determine the role of this variant in disease. Therefore, it has been classified as a Variant of Uncertain Significance. Algorithms developed to predict the effect of missense changes on protein structure and function are either unavailable or do not agree on the potential impact of this missense change (SIFT: "Deleterious"; PolyPhen-2: "Possibly Damaging"; Align-GVGD: "Class C0"). ClinVar contains an entry for this variant (Variation ID: 1063635). This variant has not been reported in the literature in individuals affected with CC2D2A-related conditions. This variant is not present in population databases (gnomAD no frequency). This sequence change replaces serine, which is neutral and polar, with arginine, which is basic and polar, at codon 879 of the CC2D2A protein (p.Ser879Arg).

NM_001378615.1(CC2D2A):c.2637T>G (p.Ser879Arg)

Genes: CC2D2A (coiled-coil and C2 domain containing 2A; plus strand), FBXL5 (F-box and leucine rich repeat protein 5; minus strand). Cytogenetic location: 4p15.32.
Variant type: single nucleotide variant.
Coding change: c.2637T>G on transcript NM_001378615.1 (MANE Select); coding-DNA position 2637, T replaced by G.
Protein change: p.Ser879Arg; replaces serine 879 with arginine.
Molecular consequence: missense variant.
Genome position (GRCh38, 1-based): chr4:15,557,315, T>G. VCF-style: chr4-15557315-T-G. GRCh37 (hg19) VCF-style: chr4-15558938-T-G.
Other names: c.2637T>G, p.Ser879Arg (NM_001080522.2); c.2490T>G, p.Ser830Arg (NM_001378617.1); short protein forms S830R, S879R.
Identifiers: ClinVar variation 1063635 (VCV001063635.9), dbSNP rs2109058028, ClinGen allele CA356412087.